The following is an entry in ClinVar:

ClinVar aggregate classification (germline): Uncertain significance (1 of 4 stars; one submission).

Conditions:
Baller-Gerold syndrome (BGS). Also called: CRANIOSYNOSTOSIS WITH RADIAL DEFECTS. Identifiers: Orphanet 1225, MedGen C0265308, MONDO:0009039, OMIM 218600.

Allele frequency attached by ClinVar (database versions not stated): gnomAD exomes below 0.00001.
gnomAD v4.1: 1 of 1,607,662 alleles (0.000062%); highest among the groups gnomAD compares: Non-Finnish European, 0.000085%; no homozygotes.

Submission:

Labcorp Genetics (formerly Invitae), Labcorp
Classification: Uncertain significance for Baller-Gerold syndrome. Last evaluated: 2023-11-07. Review status: criteria provided, single submitter. Criteria: Invitae Variant Classification Sherloc (09022015). Collection method: clinical testing. Allele origin: germline.
Comment: This sequence change replaces alanine, which is neutral and non-polar, with valine, which is neutral and non-polar, at codon 1081 of the RECQL4 protein (p.Ala1081Val). This variant is not present in population databases (gnomAD no frequency). This variant has not been reported in the literature in individuals affected with RECQL4-related conditions. ClinVar contains an entry for this variant (Variation ID: 529048). Advanced modeling of protein sequence and biophysical properties (such as structural, functional, and spatial information, amino acid conservation, physicochemical variation, residue mobility, and thermodynamic stability) performed at Invitae indicates that this missense variant is expected to disrupt RECQL4 protein function with a positive predictive value of 80%. In summary, the available evidence is currently insufficient to determine the role of this variant in disease. Therefore, it has been classified as a Variant of Uncertain Significance.

NM_004260.4(RECQL4):c.3242C>T (p.Ala1081Val)

Gene: RECQL4 (RecQ like helicase 4; minus strand). Cytogenetic location: 8q24.3.
Variant type: single nucleotide variant.
Coding change: c.3242C>T on transcript NM_004260.4 (MANE Select); coding-DNA position 3242, C replaced by T.
Protein change: p.Ala1081Val; replaces alanine 1081 with valine.
Molecular consequence: missense variant.
Genome position (GRCh38, 1-based): chr8:144,512,062, G>A on the plus strand (C>T on the coding strand, the complement: RECQL4 is on the minus strand). VCF-style: chr8-144512062-G-A. GRCh37 (hg19) VCF-style: chr8-145737445-G-A.
Other names: short protein forms A1081V.
Identifiers: ClinVar variation 529048 (VCV000529048.4), dbSNP rs772617043, ClinGen allele CA372669387.